The following is an entry in ClinVar:

NM_004204.5(PIGQ):c.1549G>A (p.Val517Ile)

Gene: PIGQ (phosphatidylinositol glycan anchor biosynthesis class Q; plus strand). Cytogenetic location: 16p13.3.
Variant type: single nucleotide variant.
Coding change: c.1549G>A on transcript NM_004204.5 (MANE Select); coding-DNA position 1549, G replaced by A.
Protein change: p.Val517Ile; replaces valine 517 with isoleucine.
Molecular consequence: missense variant. On other transcripts: intron variant (1).
Genome position (GRCh38, 1-based): chr16:582,265, G>A. VCF-style: chr16-582265-G-A. GRCh37 (hg19) VCF-style: chr16-632265-G-A.
Other names: c.1532-618G>A (NM_148920.4); short protein forms V517I.
Identifiers: ClinVar variation 1376414 (VCV001376414.5), dbSNP rs1452689348, ClinGen allele CA394060559.

ClinVar aggregate classification (germline): Uncertain significance (1 of 4 stars; one submission).

Conditions:
Epilepsy. Also called: Seizure disorder. Identifiers: MedGen C0014544, MeSH D004827, MONDO:0005027.

Submission:

Labcorp Genetics (formerly Invitae), Labcorp
Classification: Uncertain significance for Epilepsy. Last evaluated: 2022-07-12. Review status: criteria provided, single submitter. Criteria: Invitae Variant Classification Sherloc (09022015). Collection method: clinical testing. Allele origin: germline.
Comment: ClinVar contains an entry for this variant (Variation ID: 1376414). This sequence change replaces valine, which is neutral and non-polar, with isoleucine, which is neutral and non-polar, at codon 517 of the PIGQ protein (p.Val517Ile). This variant is not present in population databases (gnomAD no frequency). This variant has not been reported in the literature in individuals affected with PIGQ-related conditions. Algorithms developed to predict the effect of missense changes on protein structure and function (SIFT, PolyPhen-2, Align-GVGD) all suggest that this variant is likely to be tolerated. In summary, the available evidence is currently insufficient to determine the role of this variant in disease. Therefore, it has been classified as a Variant of Uncertain Significance.